The following is an entry in ClinVar:

NM_001089.3(ABCA3):c.1502C>A (p.Ala501Glu)

Gene: ABCA3 (ATP binding cassette subfamily A member 3; minus strand). Cytogenetic location: 16p13.3.
Variant type: single nucleotide variant.
Coding change: c.1502C>A on transcript NM_001089.3 (MANE Select); coding-DNA position 1502, C replaced by A.
Protein change: p.Ala501Glu; replaces alanine 501 with glutamic acid.
Molecular consequence: missense variant.
Genome position (GRCh38, 1-based): chr16:2,300,114, G>T on the plus strand (C>A on the coding strand, the complement: ABCA3 is on the minus strand). VCF-style: chr16-2300114-G-T. GRCh37 (hg19) VCF-style: chr16-2350115-G-T.
Other names: short protein forms A501E.
Identifiers: ClinVar variation 178700 (VCV000178700.49), dbSNP rs141621969, ClinGen allele CA182810.

ClinVar aggregate classification (germline): Conflicting classifications of pathogenicity. Review status: criteria provided, conflicting classifications (1 of 4 stars). 10 submissions from 10 submitters: Uncertain significance (2); Benign (3); Likely benign (5). Last evaluated 2026-01-28.

Conditions:
Hereditary pulmonary alveolar proteinosis. Also called: Pulmonary surfactant metabolism dysfunction. Identifiers: Orphanet 264675, MedGen C3711368, MONDO:0012580.
Interstitial lung disease due to ABCA3 deficiency. Also called: PULMONARY ALVEOLAR PROTEINOSIS, CONGENITAL, 3. Identifiers: Orphanet 440402, MedGen C1970456, MONDO:0012582, OMIM 610921.

Allele frequency attached by ClinVar (database versions not stated): TOPMed 0.00321; ESP Exome Variant Server 0.00323; 1000 Genomes Project 30x 0.00328; 1000 Genomes Project 0.00339.
gnomAD v4.1: 4,303 of 1,613,474 alleles (0.27%); highest among the groups gnomAD compares: Middle Eastern, 3.1%; 45 homozygotes.

Submissions (10):

Labcorp Genetics (formerly Invitae), Labcorp
Classification: Benign. Last evaluated: 2026-01-28. Review status: criteria provided, single submitter. Criteria: Invitae Variant Classification Sherloc (09022015). Collection method: clinical testing. Allele origin: germline.

Genomic Medicine Center of Excellence, King Faisal Specialist Hospital and Research Centre
Classification: Likely benign for Interstitial lung disease due to ABCA3 deficiency. Last evaluated: 2025-07-30. Review status: criteria provided, single submitter. Criteria: ACMG Guidelines, 2015. Collection method: clinical testing. Allele origin: germline.

CeGaT Center for Human Genetics Tuebingen
Classification: Likely benign. Last evaluated: 2024-11-01. Review status: criteria provided, single submitter. Criteria: CeGaT Center For Human Genetics Tuebingen Variant Classification Criteria Version 2. Collection method: clinical testing. Allele origin: germline. Affected: yes. Observed: 8 variant alleles.
Comment: ABCA3: BP4, BS2

Mendelics
Classification: Benign for Interstitial lung disease due to ABCA3 deficiency. Last evaluated: 2023-08-22. Review status: criteria provided, single submitter. Criteria: Mendelics Assertion Criteria 2019. Collection method: clinical testing. Allele origin: germline.

Genetics and Molecular Pathology, SA Pathology
Classification: Likely benign for Interstitial lung disease due to ABCA3 deficiency. Last evaluated: 2019-08-01. Review status: criteria provided, single submitter. Criteria: ACMG Guidelines, 2015. Collection method: clinical testing. Allele origin: germline. Inheritance: Autosomal recessive inheritance. Affected: yes.

Ambry Genetics
Classification: Likely benign for Hereditary pulmonary alveolar proteinosis. Last evaluated: 2019-04-18. Review status: criteria provided, single submitter. Criteria: Ambry Variant Classification Scheme 2023. Collection method: clinical testing. Allele origin: germline.

Johns Hopkins Genomics, Johns Hopkins University
Classification: Benign for Interstitial lung disease due to ABCA3 deficiency. Last evaluated: 2019-02-11. Review status: criteria provided, single submitter. Criteria: ACMG Guidelines, 2015. Collection method: clinical testing. Allele origin: germline.

Illumina Laboratory Services, Illumina
Classification: Uncertain significance for Interstitial lung disease due to ABCA3 deficiency. Last evaluated: 2017-04-27. Review status: criteria provided, single submitter. Criteria: ICSL Variant Classification Criteria 13 December 2019. Collection method: clinical testing. Allele origin: germline.
Comment: This variant was observed as part of a predisposition screen in an ostensibly healthy population. A literature search was performed for the gene, cDNA change, and amino acid change (where applicable). Publications were found based on this search. However, the evidence from the literature, in combination with allele frequency data from public databases where available, was not sufficient to rule this variant in or out of causing disease. Therefore, this variant is classified as a variant of unknown significance.

GeneDx
Classification: Likely benign. Last evaluated: 2015-12-11. Review status: criteria provided, single submitter. Criteria: GeneDx Variant Classification (06012015). Collection method: clinical testing. Allele origin: germline. Affected: yes.
Comment: This variant is considered likely benign or benign based on one or more of the following criteria: it is a conservative change, it occurs at a poorly conserved position in the protein, it is predicted to be benign by multiple in silico algorithms, and/or has population frequency not consistent with disease.

Laboratory for Molecular Medicine, Mass General Brigham Personalized Medicine
Classification: Uncertain significance. Last evaluated: 2013-11-08. Review status: criteria provided, single submitter. Criteria: LMM Criteria. Collection method: clinical testing. Allele origin: germline. Observed: 2 variant alleles.
Comment: The Ala501Glu variant of ABCA3 has been previously identified in one individual with severe pulmonary hypertension and histological/ultrastructural analyses con sistent with ABCA3 deficiency (Danhaive 2008). This variant is present in 0.46% (40/8600) of European American chromosomes by the NHLBI Exome Sequencing Project (dbSNP rs141621969). Alanine (Ala) at positi on 501 is poorly conserved in evolution and other computational analyses (bioche mical amino acid properties, AlignGVGD, PolyPhen2, and SIFT) suggest that the ch ange to glutamic acid (Glu) may not impact the protein, though this information is not predictive enough to rule out pathogenicity. In summary, this variant is less likely disease causing but additional information is needed to fully assess its clinical significance.

Literature cited by the submitters: PubMed 24047351 (cited by Ambry Genetics); PubMed 18492541 (cited by Illumina Laboratory Services, Illumina and Laboratory for Molecular Medicine, Mass General Brigham Personalized Medicine).